The following is an entry in ClinVar:

ClinVar aggregate classification (germline): Conflicting classifications of pathogenicity. Review status: criteria provided, conflicting classifications (1 of 4 stars). 2 submissions from 2 submitters: Likely pathogenic (1); Uncertain significance (1). Last evaluated 2025-01-27.

Conditions:
Complex cortical dysplasia with other brain malformations 5. Identifiers: MedGen C3810407, MONDO:0014337, OMIM 615763.

Submissions (2):

GeneDx
Classification: Uncertain significance. Last evaluated: 2025-01-27. Review status: criteria provided, single submitter. Criteria: GeneDx Variant Classification Process June 2021. Collection method: clinical testing. Allele origin: germline.
Comment: Not observed at significant frequency in large population cohorts (gnomAD); In silico analysis supports that this missense variant has a deleterious effect on protein structure/function; Has not been previously published as pathogenic or benign to our knowledge

Equipe Genetique des Anomalies du Developpement, Université de Bourgogne
Classification: Likely pathogenic for Complex cortical dysplasia with other brain malformations 5. Last evaluated: 2024-06-17. Review status: criteria provided, single submitter. Criteria: ACMG Guidelines, 2015. Collection method: clinical testing. Allele origin: de novo. Affected: yes.
Comment: Missense variants in TUBB2A have been linked to fetal tubulinopathies (PMID 32571897,36403095). This variant is not present in population database gnomAD (v4.1.0). It has been reported as a VOUS once in ClinVar. It has not been reported in literature. Based on the evidence outlined above, the variant was classified as likely pathogenic.

Literature cited by the submitters: PubMed 32571897 (cited by Equipe Genetique des Anomalies du Developpement, Université de Bourgogne); PubMed 36403095 (cited by Equipe Genetique des Anomalies du Developpement, Université de Bourgogne).

NM_001069.3(TUBB2A):c.853A>C (p.Thr285Pro)

Gene: TUBB2A (tubulin beta 2A class IIa; minus strand). Cytogenetic location: 6p25.2.
Variant type: single nucleotide variant.
Coding change: c.853A>C on transcript NM_001069.3 (MANE Select); coding-DNA position 853, A replaced by C.
Protein change: p.Thr285Pro; replaces threonine 285 with proline.
Molecular consequence: missense variant.
Genome position (GRCh38, 1-based): chr6:3,154,348, T>G on the plus strand (A>C on the coding strand, the complement: TUBB2A is on the minus strand). VCF-style: chr6-3154348-T-G. GRCh37 (hg19) VCF-style: chr6-3154582-T-G.
Other names: c.598A>C, p.Thr200Pro (NM_001310315.2); short protein forms T200P, T285P.
Identifiers: ClinVar variation 3343922 (VCV003343922.4).